The following is an entry in ClinVar:

NM_004656.4(BAP1):c.1651C>G (p.Arg551Gly)

Gene: BAP1 (BRCA1 associated deubiquitinase 1; minus strand). Cytogenetic location: 3p21.1.
Variant type: single nucleotide variant.
Coding change: c.1651C>G on transcript NM_004656.4 (MANE Select); coding-DNA position 1651, C replaced by G.
Protein change: p.Arg551Gly; replaces arginine 551 with glycine.
Molecular consequence: missense variant.
Genome position (GRCh38, 1-based): chr3:52,403,494, G>C on the plus strand (C>G on the coding strand, the complement: BAP1 is on the minus strand). VCF-style: chr3-52403494-G-C. GRCh37 (hg19) VCF-style: chr3-52437510-G-C.
Other names: short protein forms R551G.
Identifiers: ClinVar variation 472675 (VCV000472675.13), dbSNP rs755664216, ClinGen allele CA74740641.

ClinVar aggregate classification (germline): Uncertain significance. Review status: criteria provided, multiple submitters, no conflicts (2 of 4 stars). 4 submissions from 4 submitters: Uncertain significance (4). Last evaluated 2025-06-14.

Conditions:
Hereditary cancer-predisposing syndrome. Also called: Neoplastic Syndromes, Hereditary; Tumor predisposition; Hereditary Cancer Syndrome; Hereditary neoplastic syndrome. Identifiers: Orphanet 140162, MedGen C0027672, MeSH D009386, MONDO:0015356.
BAP1-related tumor predisposition syndrome (TPDS1). Also called: BAP1 tumor predisposition syndrome; COMMON Syndrome; TUMOR PREDISPOSITION SYNDROME 1; Tumor susceptibility linked to germline BAP1 mutations. Identifiers: Orphanet 289539, MedGen C3280492, MONDO:0013692, OMIM 614327.

gnomAD v4.1: 4 of 1,614,030 alleles (0.00025%); highest among the groups gnomAD compares: Admixed American, 0.0033%; no homozygotes.

Submissions (4):

Labcorp Genetics (formerly Invitae), Labcorp
Classification: Uncertain significance for BAP1-related tumor predisposition syndrome. Last evaluated: 2025-06-14. Review status: criteria provided, single submitter. Criteria: Invitae Variant Classification Sherloc (09022015). Collection method: clinical testing. Allele origin: germline.
Comment: This sequence change replaces arginine, which is basic and polar, with glycine, which is neutral and non-polar, at codon 551 of the BAP1 protein (p.Arg551Gly). This variant is not present in population databases (gnomAD no frequency). This variant has not been reported in the literature in individuals affected with BAP1-related conditions. ClinVar contains an entry for this variant (Variation ID: 472675). Invitae Evidence Modeling of protein sequence and biophysical properties (such as structural, functional, and spatial information, amino acid conservation, physicochemical variation, residue mobility, and thermodynamic stability) has been performed for this missense variant. However, the output from this modeling did not meet the statistical confidence thresholds required to predict the impact of this variant on BAP1 protein function. In summary, the available evidence is currently insufficient to determine the role of this variant in disease. Therefore, it has been classified as a Variant of Uncertain Significance.

Color Diagnostics, LLC DBA Color Health
Classification: Uncertain significance for Hereditary cancer-predisposing syndrome. Last evaluated: 2024-03-06. Review status: criteria provided, single submitter. Criteria: ACMG Guidelines, 2015. Collection method: clinical testing. Allele origin: germline.
Comment: This missense variant replaces arginine with glycine at codon 551 of the BAP1 protein. Computational prediction suggests that this variant may not impact protein structure and function (internally defined REVEL score threshold <= 0.5, PMID: 27666373). To our knowledge, functional studies have not been reported for this variant. This variant has not been reported in individuals affected with hereditary cancer in the literature. This variant has not been identified in the general population by the Genome Aggregation Database (gnomAD). The available evidence is insufficient to determine the role of this variant in disease conclusively. Therefore, this variant is classified as a Variant of Uncertain Significance.

Ambry Genetics
Classification: Uncertain significance for Hereditary cancer-predisposing syndrome. Last evaluated: 2021-03-08. Review status: criteria provided, single submitter. Criteria: Ambry Variant Classification Scheme 2023. Collection method: clinical testing. Allele origin: germline.
Comment: The p.R551G variant (also known as c.1651C>G), located in coding exon 13 of the BAP1 gene, results from a C to G substitution at nucleotide position 1651. The arginine at codon 551 is replaced by glycine, an amino acid with dissimilar properties. This amino acid position is highly conserved in available vertebrate species. In addition, the in silico prediction for this alteration is inconclusive. Since supporting evidence is limited at this time, the clinical significance of this alteration remains unclear.

Mendelics
Classification: Uncertain significance for Tumor susceptibility linked to germline BAP1 mutations. Last evaluated: 2018-07-02. Review status: criteria provided, single submitter. Criteria: Mendelics Assertion Criteria 2017. Collection method: clinical testing. Allele origin: unknown.